The following is an entry in ClinVar:

NC_000001.10:g.(?_156834818)_156837900del

Gene: NTRK1 (neurotrophic receptor tyrosine kinase 1; plus strand).
Variant type: Deletion.
Identifiers: ClinVar variation 1066018 (VCV001066018.2).

ClinVar aggregate classification (germline): Likely pathogenic (1 of 4 stars; one submission).

Conditions:
Hereditary insensitivity to pain with anhidrosis (CIPA). Also called: HSAN Type IV; hereditary sensory and autonomic neuropathy type 4; NEUROPATHY, CONGENITAL SENSORY, WITH ANHIDROSIS; NTRK1 Congenital Insensitivity to Pain with Anhidrosis; FAMILIAL DYSAUTONOMIA, TYPE II; INSENSITIVITY TO PAIN, CONGENITAL, WITH ANHIDROSIS. Identifiers: Orphanet 642, MedGen C0020074, MONDO:0009746, OMIM 256800.

Submission:

Labcorp Genetics (formerly Invitae), Labcorp
Classification: Likely pathogenic for Hereditary insensitivity to pain with anhidrosis. Last evaluated: 2019-03-06. Review status: criteria provided, single submitter. Criteria: Invitae Variant Classification Sherloc (09022015). Collection method: clinical testing. Allele origin: germline.
Comment: This variant is a deletion of the genomic region encompassing exon 4 and part of exon 5 (c.359+227_433del) of the NTRK1 gene. It is expected to disrupt RNA splicing and likely results in an absent or disrupted protein product. This variant has not been reported in the literature in individuals with NTRK1-related conditions. Loss-of-function variants in NTRK1 are known to be pathogenic (PMID: 10982191). In summary, the currently available evidence indicates that the variant is pathogenic, but additional data are needed to prove that conclusively. Therefore, this variant has been classified as Likely Pathogenic.

Literature cited by the submitters: PubMed 10982191.